The following is an entry in ClinVar:

NC_000002.11:g.(?_74173826)_(74177879_?)del

Gene: DGUOK (deoxyguanosine kinase; plus strand). Cytogenetic location: 2p13.1.
Variant type: Deletion.
Identifiers: ClinVar variation 3247579 (VCV003247579.1).

ClinVar aggregate classification (germline): Pathogenic (1 of 4 stars; one submission).

Submission:

Labcorp Genetics (formerly Invitae), Labcorp
Classification: Pathogenic. Last evaluated: 2023-10-27. Review status: criteria provided, single submitter. Criteria: Invitae Variant Classification Sherloc (09022015). Collection method: clinical testing. Allele origin: unknown.
Comment: This variant is a gross deletion of the genomic region encompassing exon(s) 3-4 of the DGUOK gene. This variant would be expected to be in-frame, preserving the integrity of the reading frame. This variant has not been reported in the literature in individuals affected with DGUOK-related conditions. This variant disrupts a region of the DGUOK protein in which other variant(s) (p.Asn154Lys) have been determined to be pathogenic (PMID: 23043144, 29228108, 30283818, 30956829, 31664448). This suggests that this is a clinically significant region of the protein, and that variants that disrupt it are likely to be disease-causing. For these reasons, this variant has been classified as Pathogenic.

Literature cited by the submitters: PubMed 23043144; PubMed 29228108; PubMed 30283818; PubMed 30956829; PubMed 31664448.